The following is an entry in ClinVar:

ClinVar aggregate classification (germline): Uncertain significance (1 of 4 stars; one submission).

Allele frequency attached by ClinVar (database versions not stated): gnomAD exomes 0.00001.
gnomAD v4.1: 10 of 1,546,206 alleles (0.00065%); highest among the groups gnomAD compares: South Asian, 0.0086%; no homozygotes.

Submission:

Labcorp Genetics (formerly Invitae), Labcorp
Classification: Uncertain significance. Last evaluated: 2022-01-19. Review status: criteria provided, single submitter. Criteria: Invitae Variant Classification Sherloc (09022015). Collection method: clinical testing. Allele origin: germline.
Comment: This variant is present in population databases (no rsID available, gnomAD 0.005%). In summary, the available evidence is currently insufficient to determine the role of this variant in disease. Therefore, it has been classified as a Variant of Uncertain Significance. Algorithms developed to predict the effect of missense changes on protein structure and function output the following: SIFT: "Tolerated"; PolyPhen-2: "Benign"; Align-GVGD: "Class C0". The threonine amino acid residue is found in multiple mammalian species, which suggests that this missense change does not adversely affect protein function. This variant has not been reported in the literature in individuals affected with RNF43-related conditions. This sequence change replaces methionine, which is neutral and non-polar, with threonine, which is neutral and polar, at codon 383 of the RNF43 protein (p.Met383Thr).

NM_017763.6(RNF43):c.1148T>C (p.Met383Thr)

Gene: RNF43 (ring finger protein 43; minus strand). Cytogenetic location: 17q22.
Variant type: single nucleotide variant.
Coding change: c.1148T>C on transcript NM_017763.6 (MANE Select); coding-DNA position 1148, T replaced by C.
Protein change: p.Met383Thr; replaces methionine 383 with threonine.
Molecular consequence: missense variant.
Genome position (GRCh38, 1-based): chr17:58,358,628, A>G on the plus strand (T>C on the coding strand, the complement: RNF43 is on the minus strand). VCF-style: chr17-58358628-A-G. GRCh37 (hg19) VCF-style: chr17-56435989-A-G.
Other names: c.1148T>C, p.Met383Thr (NM_001305544.3); c.767T>C, p.Met256Thr (NM_001305545.2); short protein forms M383T, M256T.
Identifiers: ClinVar variation 1938526 (VCV001938526.5), dbSNP rs1272713211, ClinGen allele CA400331390.